The following is an entry in ClinVar:

NM_001287491.2(TET3):c.72G>T (p.Gln24His)

Gene: TET3 (tet methylcytosine dioxygenase 3; plus strand). Cytogenetic location: 2p13.1.
Variant type: single nucleotide variant.
Coding change: c.72G>T on transcript NM_001287491.2 (MANE Select); coding-DNA position 72, G replaced by T.
Protein change: p.Gln24His; replaces glutamine 24 with histidine.
Molecular consequence: missense variant.
Genome position (GRCh38, 1-based): chr2:73,986,475, G>T. VCF-style: chr2-73986475-G-T. GRCh37 (hg19) VCF-style: chr2-74213602-G-T.
Other names: short protein forms Q24H.
Identifiers: ClinVar variation 3375683 (VCV003375683.2).

ClinVar aggregate classification (germline): Uncertain significance (1 of 4 stars; one submission).

Submission:

GeneDx
Classification: Uncertain significance. Last evaluated: 2026-10-09. Review status: criteria provided, single submitter. Criteria: GeneDx Variant Classification Process June 2021. Collection method: clinical testing. Allele origin: germline.
Comment: Has not been previously published as pathogenic or benign to our knowledge; No data available from control populations to assess the frequency of this variant; In silico analysis does not support a benign or deleterious effect of this variant on protein structure/function